The following is an entry in ClinVar:

ClinVar aggregate classification (germline): Uncertain significance. Review status: criteria provided, multiple submitters, no conflicts (2 of 4 stars). 2 submissions from 2 submitters: Uncertain significance (2). Last evaluated 2025-02-13.

Conditions:
Focal segmental glomerulosclerosis 5 (FSGS5). Identifiers: Orphanet 656, MedGen C2750475, MONDO:0013191, OMIM 613237.
Charcot-Marie-Tooth disease dominant intermediate E. Also called: CHARCOT-MARIE-TOOTH NEUROPATHY WITH FOCAL SEGMENTAL GLOMERULONEPHRITIS. Identifiers: Orphanet 93114, MedGen C4302667, MONDO:0013758, OMIM 614455.

gnomAD v4.1: 1 of 1,612,070 alleles (0.000062%); highest among the groups gnomAD compares: Non-Finnish European, 0.000085%; no homozygotes.

Submissions (2):

Labcorp Genetics (formerly Invitae), Labcorp
Classification: Uncertain significance for Charcot-Marie-Tooth disease dominant intermediate E; Focal segmental glomerulosclerosis 5. Last evaluated: 2025-02-13. Review status: criteria provided, single submitter. Criteria: Invitae Variant Classification Sherloc (09022015). Collection method: clinical testing. Allele origin: germline.
Comment: This sequence change replaces lysine, which is basic and polar, with arginine, which is basic and polar, at codon 625 of the INF2 protein (p.Lys625Arg). This variant is present in population databases (no rsID available, gnomAD 0.0009%). This variant has not been reported in the literature in individuals affected with INF2-related conditions. ClinVar contains an entry for this variant (Variation ID: 3576456). Invitae Evidence Modeling of protein sequence and biophysical properties (such as structural, functional, and spatial information, amino acid conservation, physicochemical variation, residue mobility, and thermodynamic stability) indicates that this missense variant is not expected to disrupt INF2 protein function with a negative predictive value of 95%. In summary, the available evidence is currently insufficient to determine the role of this variant in disease. Therefore, it has been classified as a Variant of Uncertain Significance.

Fulgent Genetics
Classification: Uncertain significance for Focal segmental glomerulosclerosis 5; Charcot-Marie-Tooth disease dominant intermediate E. Last evaluated: 2024-04-24. Review status: criteria provided, single submitter. Criteria: ACMG Guidelines, 2015. Collection method: clinical testing. Allele origin: germline.

NM_022489.4(INF2):c.1874A>G (p.Lys625Arg)

Gene: INF2 (inverted formin 2; plus strand). Cytogenetic location: 14q32.33.
Variant type: single nucleotide variant.
Coding change: c.1874A>G on transcript NM_022489.4 (MANE Select); coding-DNA position 1874, A replaced by G.
Protein change: p.Lys625Arg; replaces lysine 625 with arginine.
Molecular consequence: missense variant. On other transcripts: non-coding transcript variant (1).
Genome position (GRCh38, 1-based): chr14:104,708,574, A>G. VCF-style: chr14-104708574-A-G. GRCh37 (hg19) VCF-style: chr14-105174911-A-G.
Other names: c.1874A>G, p.Lys625Arg (NM_001031714.4, NM_001426862.1, NM_001426863.1 and 2 more transcripts); short protein forms K625R.
Identifiers: ClinVar variation 3576456 (VCV003576456.2).